The following is an entry in ClinVar:

NC_000009.11:g.(?_97887348)_(97887487_?)del

Gene: FANCC (FA complementation group C; minus strand). Cytogenetic location: 9q22.32.
Variant type: Deletion.
Identifiers: ClinVar variation 3245060 (VCV003245060.1).

ClinVar aggregate classification (germline): Pathogenic (1 of 4 stars; one submission).

Conditions:
Fanconi anemia (FA). Also called: Fanconi's anemia. Identifiers: Orphanet 84, MedGen C0015625, MeSH D005199, MONDO:0019391.

Submission:

Labcorp Genetics (formerly Invitae), Labcorp
Classification: Pathogenic for Fanconi anemia. Last evaluated: 2023-09-08. Review status: criteria provided, single submitter. Criteria: Invitae Variant Classification Sherloc (09022015). Collection method: clinical testing. Allele origin: unknown.
Comment: This variant is a gross deletion of the genomic region encompassing exon(s) 10 of the FANCC gene. This deletion is out-of-frame, and is expected to create a premature termination codon and result in an absent or disrupted protein product. Loss-of-function variants in FANCC are known to be pathogenic (PMID: 17924555). This variant has not been reported in the literature in individuals affected with FANCC-related conditions. For these reasons, this variant has been classified as Pathogenic.

Literature cited by the submitters: PubMed 17924555.